The following is an entry in ClinVar:

NM_000455.5(STK11):c.1054G>A (p.Asp352Asn)

Genes: STK11 (serine/threonine kinase 11; plus strand), LOC130062899 (ATAC-STARR-seq lymphoblastoid active region 13597; plus strand). Cytogenetic location: 19p13.3.
Variant type: single nucleotide variant.
Coding change: c.1054G>A on transcript NM_000455.5 (MANE Select); coding-DNA position 1054, G replaced by A.
Protein change: p.Asp352Asn; replaces aspartic acid 352 with asparagine.
Molecular consequence: missense variant.
Genome position (GRCh38, 1-based): chr19:1,223,118, G>A. VCF-style: chr19-1223118-G-A. GRCh37 (hg19) VCF-style: chr19-1223117-G-A.
Other names: c.1054G>A, p.Asp352Asn (NM_001407255.1); short protein forms D352N.
Identifiers: ClinVar variation 1778163 (VCV001778163.5), dbSNP rs2145431245, ClinGen allele CA402951832.
Genomic context (GRCh38, chr19:1,223,118, plus strand): 5'-TGGCGCAGCATGACTGTGGTGCCGTACTTGGAGGACCTGCACGGCGCGGACGAGGACGAG[G>A]ACCTCTTCGACATCGAGGATGACATCATCTACACTCAGGACTTCACGGTGCCCGGTGAGT-3'
Protein context (NP_000446.1, residues 342-362): EDLHGADEDE[Asp352Asn]LFDIEDDIIY

ClinVar aggregate classification (germline): Conflicting classifications of pathogenicity. Review status: criteria provided, conflicting classifications (1 of 4 stars). 2 submissions from 2 submitters: Uncertain significance (1); Likely benign (1). Last evaluated 2026-09-11.

Conditions:
Hereditary cancer-predisposing syndrome. Also called: Hereditary Cancer Syndrome; Hereditary neoplastic syndrome; Neoplastic Syndromes, Hereditary; Tumor predisposition. Identifiers: Orphanet 140162, MedGen C0027672, MeSH D009386, MONDO:0015356.
Peutz-Jeghers syndrome (PJS). Also called: POLYPOSIS, HAMARTOMATOUS INTESTINAL; POLYPS-AND-SPOTS SYNDROME; Peutz-Jeghers polyposis; Periorificial lentiginosis syndrome. Identifiers: Orphanet 2869, MedGen C0031269, MeSH D010580, MONDO:0008280, OMIM 175200.

Submissions (2):

Ambry Genetics
Classification: Likely benign for Hereditary cancer-predisposing syndrome. Last evaluated: 2026-09-11. Review status: criteria provided, single submitter. Criteria: Ambry Variant Classification Scheme 2023. Collection method: clinical testing. Allele origin: germline.

Labcorp Genetics (formerly Invitae), Labcorp
Classification: Uncertain significance for Peutz-Jeghers syndrome. Last evaluated: 2024-08-03. Review status: criteria provided, single submitter. Criteria: Invitae Variant Classification Sherloc (09022015). Collection method: clinical testing. Allele origin: germline.
Comment: This sequence change replaces aspartic acid, which is acidic and polar, with asparagine, which is neutral and polar, at codon 352 of the STK11 protein (p.Asp352Asn). This variant is not present in population databases (gnomAD no frequency). This variant has not been reported in the literature in individuals affected with STK11-related conditions. ClinVar contains an entry for this variant (Variation ID: 1778163). Advanced modeling of protein sequence and biophysical properties (such as structural, functional, and spatial information, amino acid conservation, physicochemical variation, residue mobility, and thermodynamic stability) performed at Invitae indicates that this missense variant is not expected to disrupt STK11 protein function with a negative predictive value of 95%. In summary, the available evidence is currently insufficient to determine the role of this variant in disease. Therefore, it has been classified as a Variant of Uncertain Significance.